The following is an entry in ClinVar:

NM_004364.5(CEBPA):c.793G>A (p.Ala265Thr)

Gene: CEBPA (CCAAT enhancer binding protein alpha; minus strand). Cytogenetic location: 19q13.11.
Variant type: single nucleotide variant.
Coding change: c.793G>A on transcript NM_004364.5 (MANE Select); coding-DNA position 793, G replaced by A.
Protein change: p.Ala265Thr; replaces alanine 265 with threonine.
Molecular consequence: missense variant.
Genome position (GRCh38, 1-based): chr19:33,301,622, C>T on the plus strand (G>A on the coding strand, the complement: CEBPA is on the minus strand). VCF-style: chr19-33301622-C-T. GRCh37 (hg19) VCF-style: chr19-33792528-C-T.
Other names: c.436G>A, p.Ala146Thr (NM_001285829.2); c.898G>A, p.Ala300Thr (NM_001287424.2); c.751G>A, p.Ala251Thr (NM_001287435.2); short protein forms A146T, A251T, A265T, A300T.
Identifiers: ClinVar variation 3766681 (VCV003766681.2).
Genomic context (GRCh38, chr19:33,301,622, plus strand): 5'-ACTCGTTGCTGTTCTTGTCCACCGACTTCTTGGCCTTGCCCGCGCCGCTGCCGCCACTCG[C>T]GCGGAGGTCGGGGTGCGCGGCGCCCAGCCCCTTGAGCGCGCTGCCAGGGCCCGGCAGGCC-3'
Protein context (NP_004355.2, residues 255-275): GLGAAHPDLR[Ala265Thr]SGGSGAGKAK

ClinVar aggregate classification (germline): Uncertain significance. Review status: criteria provided, multiple submitters, no conflicts (2 of 4 stars). 2 submissions from 2 submitters: Uncertain significance (2). Last evaluated 2025-01-15.

gnomAD v4.1: 20 of 1,586,336 alleles (0.0013%); highest among the groups gnomAD compares: Non-Finnish European, 0.0016%; no homozygotes.

Submissions (2):

GeneDx
Classification: Uncertain significance. Last evaluated: 2025-01-15. Review status: criteria provided, single submitter. Criteria: GeneDx Variant Classification Process June 2021. Collection method: clinical testing. Allele origin: germline. Affected: yes.
Comment: Not observed at significant frequency in large population cohorts (gnomAD); In silico analysis indicates that this missense variant does not alter protein structure/function; Has not been previously published as pathogenic or benign to our knowledge

ARUP Laboratories, Molecular Genetics and Genomics, ARUP Laboratories
Classification: Uncertain significance. Last evaluated: 2024-06-24. Review status: criteria provided, single submitter. Criteria: ARUP Molecular Germline Variant Investigation Process 2024. Collection method: clinical testing. Allele origin: germline.